The following is an entry in ClinVar:

NM_020366.4(RPGRIP1):c.2367+19C>T

Gene: RPGRIP1 (RPGR interacting protein 1; plus strand). Cytogenetic location: 14q11.2.
Variant type: single nucleotide variant.
Coding change: c.2367+19C>T on transcript NM_020366.4 (MANE Select); 19 bases into the intron after coding-DNA position 2367, C replaced by T.
Molecular consequence: intron variant.
Genome position (GRCh38, 1-based): chr14:21,325,402, C>T. VCF-style: chr14-21325402-C-T. GRCh37 (hg19) VCF-style: chr14-21793561-C-T.
Other names: c.1293+19C>T (NM_001377948.1); c.796+677C>T (NM_001377949.1); c.689-2221C>T (NM_001377523.1, NM_001377950.1); c.191-2221C>T (NM_001377951.1); c.2367+19C>T (NM_020366.3).
Identifiers: ClinVar variation 1093701 (VCV001093701.12), dbSNP rs367769049, ClinGen allele CA7089229.
Genomic context (GRCh38, chr14:21,325,402, plus strand): 5'-TCAACCGATGTGCTTGGAGGCCGGAAGGCCCAGGAAGAGGAGGTGAGAAAAAAGATGTGC[C>T]GAGGCATCTCAGAGGAGCCTCAGCCAAACAGCTCATGAGCACAGTTCAGTCTTCCACTCT-3'

ClinVar aggregate classification (germline): Likely benign. Review status: criteria provided, multiple submitters, no conflicts (2 of 4 stars). 3 submissions from 3 submitters: Likely benign (2). 1 of the submissions does not count toward it. Last evaluated 2025-10-20.

Conditions:
RPGRIP1-related disorder. Also called: RPGRIP1-related condition.
Cone-rod dystrophy 13 (CORD13). Identifiers: Orphanet 1872, MedGen C2750720, MONDO:0011987, OMIM 608194.
Leber congenital amaurosis 6 (LCA6). Identifiers: Orphanet 65, MedGen C1854260, MONDO:0013446, OMIM 613826.

Allele frequency attached by ClinVar (database versions not stated): ExAC 0.00025; gnomAD 0.00025 and 0.00026; gnomAD exomes 0.00026; TOPMed 0.00035; ESP Exome Variant Server 0.00066.

Submissions (3):

Labcorp Genetics (formerly Invitae), Labcorp
Classification: Likely benign for Leber congenital amaurosis 6; Cone-rod dystrophy 13. Last evaluated: 2025-10-20. Review status: criteria provided, single submitter. Criteria: Invitae Variant Classification Sherloc (09022015). Collection method: clinical testing. Allele origin: germline.

Blueprint Genetics
Classification: Likely benign. Last evaluated: 2024-10-15. Review status: criteria provided, single submitter. Criteria: ACMG Guidelines, 2015. Collection method: clinical testing. Allele origin: germline.

PreventionGenetics, part of Exact Sciences
Classification: Likely benign for RPGRIP1-related condition. Last evaluated: 2019-06-17. Review status: no assertion criteria provided. Collection method: clinical testing. Allele origin: germline. Not counted in ClinVar's aggregate classification.
Comment: This variant is classified as likely benign based on ACMG/AMP sequence variant interpretation guidelines (Richards et al. 2015 PMID: 25741868, with internal and published modifications).